The following is an entry in ClinVar:

ClinVar aggregate classification (germline): Uncertain significance. Review status: criteria provided, multiple submitters, no conflicts (2 of 4 stars). 3 submissions from 3 submitters: Uncertain significance (3). Last evaluated 2026-04-08.

Conditions:
Inborn genetic diseases. Identifiers: MedGen C0950123, MeSH D030342.
Progressive sclerosing poliodystrophy (MTDPS4A). Also called: Alpers-Huttenlocher Syndrome (AHS); ALPERS DIFFUSE DEGENERATION OF CEREBRAL GRAY MATTER WITH HEPATIC CIRRHOSIS; Alpers-Huttenlocher Syndrome; Mitochondrial DNA depletion syndrome 4A (Alpers type); ALPERS PROGRESSIVE INFANTILE POLIODYSTROPHY; Mitochondrial DNA Depletion Syndrome 4A. Identifiers: Orphanet 726, MedGen C0205710, MONDO:0008758, OMIM 203700.

Allele frequency attached by ClinVar (database versions not stated): gnomAD exomes below 0.00001.
gnomAD v4.1: 4 of 1,613,944 alleles (0.00025%); highest among the groups gnomAD compares: Non-Finnish European, 0.00034%; no homozygotes.

Submissions (3):

Ambry Genetics
Classification: Uncertain significance for Inborn genetic diseases. Last evaluated: 2026-04-08. Review status: criteria provided, single submitter. Criteria: Ambry Variant Classification Scheme 2023. Collection method: clinical testing. Allele origin: germline.

Mayo Clinic Laboratories, Mayo Clinic
Classification: Uncertain significance. Last evaluated: 2025-11-19. Review status: criteria provided, single submitter. Criteria: ACMG Guidelines, 2015. Collection method: clinical testing. Allele origin: germline. Observed: 3 variant alleles.
Comment: BP4, PM2_supporting

Labcorp Genetics (formerly Invitae), Labcorp
Classification: Uncertain significance for Progressive sclerosing poliodystrophy. Last evaluated: 2024-07-24. Review status: criteria provided, single submitter. Criteria: Invitae Variant Classification Sherloc (09022015). Collection method: clinical testing. Allele origin: germline.
Comment: This sequence change replaces valine, which is neutral and non-polar, with isoleucine, which is neutral and non-polar, at codon 406 of the POLG protein (p.Val406Ile). This variant is not present in population databases (gnomAD no frequency). This variant has not been reported in the literature in individuals affected with POLG-related conditions. Advanced modeling of protein sequence and biophysical properties (such as structural, functional, and spatial information, amino acid conservation, physicochemical variation, residue mobility, and thermodynamic stability) performed at Invitae indicates that this missense variant is not expected to disrupt POLG protein function with a negative predictive value of 95%. In summary, the available evidence is currently insufficient to determine the role of this variant in disease. Therefore, it has been classified as a Variant of Uncertain Significance.

NM_002693.3(POLG):c.1216G>A (p.Val406Ile)

Gene: POLG (DNA polymerase gamma, catalytic subunit; minus strand). Cytogenetic location: 15q26.1.
Variant type: single nucleotide variant.
Coding change: c.1216G>A on transcript NM_002693.3 (MANE Select); coding-DNA position 1216, G replaced by A.
Protein change: p.Val406Ile; replaces valine 406 with isoleucine.
Molecular consequence: missense variant.
Genome position (GRCh38, 1-based): chr15:89,328,490, C>T on the plus strand (G>A on the coding strand, the complement: POLG is on the minus strand). VCF-style: chr15-89328490-C-T. GRCh37 (hg19) VCF-style: chr15-89871721-C-T.
Other names: p.Val406Ile; c.1216G>A, p.Val406Ile (NM_001126131.2); short protein forms V406I.
Identifiers: ClinVar variation 2869081 (VCV002869081.5), dbSNP rs2509260258, ClinGen allele CA393764079.